The following is an entry in ClinVar:

ClinVar aggregate classification (germline): Uncertain significance (1 of 4 stars; one submission).

Conditions:
Developmental and epileptic encephalopathy, 30 (DEE30). Also called: Epileptic encephalopathy, early infantile, 30. Identifiers: MedGen C4225360, MONDO:0014595, OMIM 616341.

Submission:

Labcorp Genetics (formerly Invitae), Labcorp
Classification: Uncertain significance for Developmental and epileptic encephalopathy, 30. Last evaluated: 2024-10-07. Review status: criteria provided, single submitter. Criteria: Invitae Variant Classification Sherloc (09022015). Collection method: clinical testing. Allele origin: germline.
Comment: This sequence change replaces valine, which is neutral and non-polar, with glycine, which is neutral and non-polar, at codon 2 of the SIK1 protein (p.Val2Gly). This variant is not present in population databases (gnomAD no frequency). This variant has not been reported in the literature in individuals affected with SIK1-related conditions. ClinVar contains an entry for this variant (Variation ID: 1428420). Invitae Evidence Modeling of protein sequence and biophysical properties (such as structural, functional, and spatial information, amino acid conservation, physicochemical variation, residue mobility, and thermodynamic stability) indicates that this missense variant is not expected to disrupt SIK1 protein function with a negative predictive value of 95%. In summary, the available evidence is currently insufficient to determine the role of this variant in disease. Therefore, it has been classified as a Variant of Uncertain Significance.

NM_173354.5(SIK1):c.5T>G (p.Val2Gly)

Gene: SIK1 (salt inducible kinase 1; minus strand). Cytogenetic location: 21q22.3.
Variant type: single nucleotide variant.
Coding change: c.5T>G on transcript NM_173354.5 (MANE Select); coding-DNA position 5, T replaced by G.
Protein change: p.Val2Gly; replaces valine 2 with glycine.
Molecular consequence: missense variant.
Genome position (GRCh38, 1-based): chr21:43,426,174, A>C on the plus strand (T>G on the coding strand, the complement: SIK1 is on the minus strand). VCF-style: chr21-43426174-A-C. GRCh37 (hg19) VCF-style: chr21-44846054-A-C.
Other names: short protein forms V2G.
Identifiers: ClinVar variation 1428420 (VCV001428420.8), dbSNP rs749382226, ClinGen allele CA321330071.
Genomic context (GRCh38, chr21:43,426,174, plus strand): 5'-AGGGGCTTCTGCTGGCCCTGACCCTGGCCCGCGGGGTCCGCGCTGAACTCCGACATGATA[A>C]CCATGGCTCCGCGCGCACCTGCGGGGCCGCACAGAGCTCAGAGCCCACCAGCGCCCCCGC-3'
Protein context (NP_775490.2, residues 1-12): M[Val2Gly]IMSEFSADPA